The following is an entry in ClinVar:

NM_021076.4(NEFH):c.2068_2079del (p.Ser690_Lys693del)

Gene: NEFH (neurofilament heavy chain; plus strand). Cytogenetic location: 22q12.2.
Variant type: Deletion.
Coding change: c.2068_2079del on transcript NM_021076.4 (MANE Select); coding-DNA positions 2068 to 2079, 12 bases deleted (TCCCCTGAGAAG).
Protein change: p.Ser690_Lys693del.
Genome position (GRCh38, 1-based): chr22:29,489,708-29,489,719, TCCCCTGAGAAG deleted; deleting any 12 consecutive bases within chr22:29,489,705-29,489,719 gives the same sequence; the c. name uses the placement nearest the transcript's 3' end. VCF-style (leftmost placement, unchanged base first): chr22-29489704-AAAGTCCCCTGAG-A. GRCh37 (hg19) VCF-style: chr22-29885693-AAAGTCCCCTGAG-A.
Other names: c.2068_2079del12 (NM_021076.4).
Identifiers: ClinVar variation 4848054 (VCV004848054.1).

ClinVar aggregate classification (germline): Uncertain significance (1 of 4 stars; one submission).

Submission:

Women's Health and Genetics/Laboratory Corporation of America, LabCorp
Classification: Uncertain significance. Last evaluated: 2026-02-04. Review status: criteria provided, single submitter. Criteria: LabCorp Variant Classification Summary - May 2015. Collection method: clinical testing. Allele origin: germline.
Comment: Variant summary: NEFH c.2068_2079del12 (p.Ser690_Lys693del) results in an in-frame deletion that is predicted to remove four amino acids from the encoded protein. The variant was absent in 249350 control chromosomes. The available data on variant occurrences in the general population are insufficient to allow any conclusion about variant significance. To our knowledge, no occurrence of c.2068_2079del12 in individuals affected with NEFH-related conditions and no experimental evidence demonstrating its impact on protein function have been reported. No submitters have cited clinical-significance assessments for this variant to ClinVar. Based on the evidence outlined above, the variant was classified as uncertain significance.